The following is an entry in ClinVar:

NM_032273.4(TMEM126A):c.279A>G (p.Thr93=)

Gene: TMEM126A (transmembrane protein 126A; plus strand). Cytogenetic location: 11q14.1.
Variant type: single nucleotide variant.
Coding change: c.279A>G on transcript NM_032273.4 (MANE Select); coding-DNA position 279, A replaced by G.
Protein change: p.Thr93=; no amino-acid change (threonine 93 retained).
Molecular consequence: synonymous variant.
Genome position (GRCh38, 1-based): chr11:85,654,255, A>G. VCF-style: chr11-85654255-A-G. GRCh37 (hg19) VCF-style: chr11-85365299-A-G.
Other names: c.69A>G, p.Thr23= (NM_001244735.2).
Identifiers: ClinVar variation 1408253 (VCV001408253.6), dbSNP rs780975544, ClinGen allele CA6212733.

ClinVar aggregate classification (germline): Uncertain significance (1 of 4 stars; one submission).

Allele frequency attached by ClinVar (database versions not stated): gnomAD exomes 0.00001 and below 0.00001; ExAC 0.00002.
gnomAD v4.1: 2 of 1,613,966 alleles (0.00012%); highest among the groups gnomAD compares: Non-Finnish European, 0.00017%; no homozygotes.

Submission:

Labcorp Genetics (formerly Invitae), Labcorp
Classification: Uncertain significance. Last evaluated: 2025-08-21. Review status: criteria provided, single submitter. Criteria: Invitae Variant Classification Sherloc (09022015). Collection method: clinical testing. Allele origin: germline.
Comment: This sequence change affects codon 93 of the TMEM126A mRNA. It is a 'silent' change, meaning that it does not change the encoded amino acid sequence of the TMEM126A protein. It affects a nucleotide within the consensus splice site. This variant is present in population databases (rs780975544, gnomAD 0.002%). This variant has not been reported in the literature in individuals affected with TMEM126A-related conditions. ClinVar contains an entry for this variant (Variation ID: 1408253). Algorithms developed to predict the effect of sequence changes on RNA splicing suggest that this variant may disrupt the consensus splice site. In summary, the available evidence is currently insufficient to determine the role of this variant in disease. Therefore, it has been classified as a Variant of Uncertain Significance.